The following is an entry in ClinVar:

NM_001370259.2(MEN1):c.279C>T (p.Phe93=)

Gene: MEN1 (menin 1; minus strand). Cytogenetic location: 11q13.1.
Variant type: single nucleotide variant.
Coding change: c.279C>T on transcript NM_001370259.2 (MANE Select); coding-DNA position 279, C replaced by T.
Protein change: p.Phe93=; no amino-acid change (phenylalanine 93 retained).
Molecular consequence: synonymous variant. On other transcripts: non-coding transcript variant (4).
Genome position (GRCh38, 1-based): chr11:64,809,831, G>A on the plus strand (C>T on the coding strand, the complement: MEN1 is on the minus strand). VCF-style: chr11-64809831-G-A. GRCh37 (hg19) VCF-style: chr11-64577303-G-A.
Other names: c.279C>T, p.Phe93= (NM_000244.4, NM_001370251.2, NM_001370260.2 and 20 more transcripts).
Identifiers: ClinVar variation 3773424 (VCV003773424.1).
Genomic context (GRCh38, chr11:64,809,831, plus strand): 5'-GGAGACACCCCCTTCTCGAGGATAGAGGGACAGGTCGACGGCGCCTCGGATCTGGGCGGT[G>A]AAGCGGGCATAGAGGGCGGCGATGATAGACAGGTCGGCCACGGGAAAGTAGGTGAGGCCG-3'
Protein context (NP_001357188.2, residues 83-103): LSIIAALYAR[Phe93=]TAQIRGAVDL

ClinVar aggregate classification (germline): Benign (1 of 4 stars; one submission).

Conditions:
Multiple endocrine neoplasia, type 1 (MEN1). Also called: MEN I; WERMER SYNDROME; Endocrine adenomatosis multiple; MEN 1; MEA I. Identifiers: Orphanet 652, MedGen C0025267, MeSH D018761, MONDO:0007540, OMIM 131100.

Submission:

Myriad Genetics, Inc.
Classification: Benign for Multiple endocrine neoplasia, type 1. Last evaluated: 2024-10-31. Review status: criteria provided, single submitter. Criteria: Myriad Autosomal Dominant, Autosomal Recessive and X-Linked Classification Criteria (2023). Collection method: clinical testing. Allele origin: unknown.
Comment: This variant is considered benign. This variant is a silent/synonymous amino acid change and it is not expected to impact splicing.